The following is an entry in ClinVar:

NM_198569.3(ADGRG6):c.1523T>C (p.Leu508Ser)

Gene: ADGRG6 (adhesion G protein-coupled receptor G6; plus strand). Cytogenetic location: 6q24.2.
Variant type: single nucleotide variant.
Coding change: c.1523T>C on transcript NM_198569.3 (MANE Select); coding-DNA position 1523, T replaced by C.
Protein change: p.Leu508Ser; replaces leucine 508 with serine.
Molecular consequence: missense variant.
Genome position (GRCh38, 1-based): chr6:142,397,711, T>C. VCF-style: chr6-142397711-T-C. GRCh37 (hg19) VCF-style: chr6-142718848-T-C.
Other names: c.1439T>C, p.Leu480Ser (NM_001032394.3, NM_001032395.3); c.1523T>C, p.Leu508Ser (NM_020455.6); short protein forms L480S, L508S.
Identifiers: ClinVar variation 4851892 (VCV004851892.1).

ClinVar aggregate classification (germline): Uncertain significance (1 of 4 stars; one submission).

Submission:

Dasa
Classification: Uncertain significance. Last evaluated: 2026-03-25. Review status: criteria provided, single submitter. Criteria: DASA Assertion Criteria. Collection method: clinical testing. Allele origin: germline.
Comment: NM_198569.3(ADGRG6):c.1523T>C (p.Leu508Ser) is a missense variant that results in the substitution of leucine with serine. Multiple computational predictions support a deleterious effect on the gene or gene product. The variant is present at low frequency in population datasets. Based on the available data, this variant is classified as variant of uncertain significance.